The following is an entry in ClinVar:

ClinVar aggregate classification (germline): Uncertain significance (1 of 4 stars; one submission).

Conditions:
Hereditary cancer-predisposing syndrome. Also called: Neoplastic Syndromes, Hereditary; Hereditary neoplastic syndrome; Tumor predisposition; Hereditary Cancer Syndrome. Identifiers: Orphanet 140162, MedGen C0027672, MeSH D009386, MONDO:0015356.

Allele frequency attached by ClinVar (database versions not stated): TOPMed below 0.00001; gnomAD exomes 0.00001.
gnomAD v4.1: 19 of 1,611,872 alleles (0.0012%); highest among the groups gnomAD compares: Non-Finnish European, 0.0016%; no homozygotes.

Submission:

Ambry Genetics
Classification: Uncertain significance for Hereditary cancer-predisposing syndrome. Last evaluated: 2025-11-23. Review status: criteria provided, single submitter. Criteria: Ambry Variant Classification Scheme 2023. Collection method: clinical testing. Allele origin: germline.
Comment: The p.E30D variant (also known as c.90A>C), located in coding exon 2 of the EPCAM gene, results from an A to C substitution at nucleotide position 90. The glutamic acid at codon 30 is replaced by aspartic acid, an amino acid with highly similar properties. This amino acid position is conserved. In addition, this alteration is predicted to be tolerated by in silico analysis. Since supporting evidence is limited at this time, the clinical significance of this alteration remains unclear.

NM_002354.3(EPCAM):c.90A>C (p.Glu30Asp)

Gene: EPCAM (epithelial cell adhesion molecule; plus strand). Cytogenetic location: 2p21.
Variant type: single nucleotide variant.
Coding change: c.90A>C on transcript NM_002354.3 (MANE Select); coding-DNA position 90, A replaced by C.
Protein change: p.Glu30Asp; replaces glutamic acid 30 with aspartic acid.
Molecular consequence: missense variant.
Genome position (GRCh38, 1-based): chr2:47,373,476, A>C. VCF-style: chr2-47373476-A-C. GRCh37 (hg19) VCF-style: chr2-47600615-A-C.
Other names: short protein forms E30D.
Identifiers: ClinVar variation 2477606 (VCV002477606.3), dbSNP rs1671335679, ClinGen allele CA346722400.